The following is an entry in ClinVar:

NM_024675.4(PALB2):c.1262G>C (p.Arg421Thr)

Gene: PALB2 (partner and localizer of BRCA2; minus strand). Cytogenetic location: 16p12.2.
Variant type: single nucleotide variant.
Coding change: c.1262G>C on transcript NM_024675.4 (MANE Select); coding-DNA position 1262, G replaced by C.
Protein change: p.Arg421Thr; replaces arginine 421 with threonine.
Molecular consequence: missense variant.
Genome position (GRCh38, 1-based): chr16:23,635,284, C>G on the plus strand (G>C on the coding strand, the complement: PALB2 is on the minus strand). VCF-style: chr16-23635284-C-G. GRCh37 (hg19) VCF-style: chr16-23646605-C-G.
Other names: short protein forms R421T.
Identifiers: ClinVar variation 1426534 (VCV001426534.9), dbSNP rs2142421169, ClinGen allele CA395132758.

ClinVar aggregate classification (germline): Uncertain significance (1 of 4 stars; one submission).

Conditions:
Familial cancer of breast. Also called: Hereditary breast cancer; BREAST CANCER, FAMILIAL; hereditary breast carcinoma. Identifiers: Orphanet 227535, MedGen C0346153, MONDO:0016419, OMIM 114480. Disease mechanism: loss of function.

Submission:

Labcorp Genetics (formerly Invitae), Labcorp
Classification: Uncertain significance for Familial cancer of breast. Last evaluated: 2021-01-21. Review status: criteria provided, single submitter. Criteria: Invitae Variant Classification Sherloc (09022015). Collection method: clinical testing. Allele origin: germline.
Comment: In summary, the available evidence is currently insufficient to determine the role of this variant in disease. Therefore, it has been classified as a Variant of Uncertain Significance. Algorithms developed to predict the effect of missense changes on protein structure and function are either unavailable or do not agree on the potential impact of this missense change (SIFT: "Tolerated"; PolyPhen-2: "Probably Damaging"; Align-GVGD: "Class C0"). This variant has not been reported in the literature in individuals with PALB2-related conditions. This variant is not present in population databases (ExAC no frequency). This sequence change replaces arginine with threonine at codon 421 of the PALB2 protein (p.Arg421Thr). The arginine residue is highly conserved and there is a moderate physicochemical difference between arginine and threonine.